The following is an entry in ClinVar:

ClinVar aggregate classification (germline): Uncertain significance (1 of 4 stars; one submission).

Conditions:
Bethlem myopathy 1A. Also called: MYOPATHY, BENIGN CONGENITAL, WITH CONTRACTURES; Bethlem Muscular Dystrophy; Bethlem myopathy 1. Identifiers: Orphanet 610, MedGen CN029274, MONDO:0024530, OMIM 158810.

gnomAD v4.1: 21 of 1,612,786 alleles (0.0013%); highest among the groups gnomAD compares: East Asian, 0.04%; no homozygotes.

Submission:

Labcorp Genetics (formerly Invitae), Labcorp
Classification: Uncertain significance for Bethlem myopathy 1A. Last evaluated: 2022-09-14. Review status: criteria provided, single submitter. Criteria: Invitae Variant Classification Sherloc (09022015). Collection method: clinical testing. Allele origin: germline.
Comment: Algorithms developed to predict the effect of missense changes on protein structure and function are either unavailable or do not agree on the potential impact of this missense change (SIFT: "Deleterious"; PolyPhen-2: "Probably Damaging"; Align-GVGD: "Class C0"). This sequence change replaces threonine, which is neutral and polar, with lysine, which is basic and polar, at codon 590 of the COL6A2 protein (p.Thr590Lys). This variant is present in population databases (rs142709940, gnomAD 0.1%). This variant has not been reported in the literature in individuals affected with COL6A2-related conditions. ClinVar contains an entry for this variant (Variation ID: 1412838). In summary, the available evidence is currently insufficient to determine the role of this variant in disease. Therefore, it has been classified as a Variant of Uncertain Significance.

NM_001849.4(COL6A2):c.1769C>A (p.Thr590Lys)

Gene: COL6A2 (collagen type VI alpha 2 chain; plus strand). Cytogenetic location: 21q22.3.
Variant type: single nucleotide variant.
Coding change: c.1769C>A on transcript NM_001849.4 (MANE Select); coding-DNA position 1769, C replaced by A.
Protein change: p.Thr590Lys; replaces threonine 590 with lysine.
Molecular consequence: missense variant.
Genome position (GRCh38, 1-based): chr21:46,124,919, C>A. VCF-style: chr21-46124919-C-A. GRCh37 (hg19) VCF-style: chr21-47544833-C-A.
Other names: c.1769C>A, p.Thr590Lys (NM_058174.3, NM_058175.3); short protein forms T590K.
Identifiers: ClinVar variation 1412838 (VCV001412838.8), dbSNP rs142709940, ClinGen allele CA10072176.